The following is an entry in ClinVar:

ClinVar aggregate classification (germline): Likely pathogenic (1 of 4 stars; one submission).

Submission:

GeneDx
Classification: Likely pathogenic. Last evaluated: 2019-04-29. Review status: criteria provided, single submitter. Criteria: GeneDx Variant Classification (06012015). Collection method: clinical testing. Allele origin: germline. Affected: yes.
Comment: A variant that is likely pathogenic has been identified in the STIL gene. The c.2289_2290delGC variant has not been published as a pathogenic variant, nor has it been reported as a benign variant to our knowledge. The c.2289_2290delGC variant in the STIL gene causes a frameshift starting with codon Glutamine 764, changes this amino acid to a Serine residue and creates a premature Stop codon at position 33 of the new reading frame, denoted p.Gln764SerfsX33. This variant is predicted to cause loss of normal protein function either through protein truncation or nonsense-mediated mRNA decay. The c.2289_2290delGC variant is not observed in large population cohorts (Lek et al., 2016). Therefore, this variant is likely pathogenic; however, the possibility that it is benign cannot be excluded.

NM_001048166.1(STIL):c.2289_2290del (p.Gln764fs)

Gene: STIL (STIL centriolar assembly protein; minus strand). Cytogenetic location: 1p33.
Variant type: Deletion.
Coding change: c.2289_2290del on transcript NM_001048166.1 (MANE Select); coding-DNA positions 2289 to 2290, 2 bases deleted (GC; older notation c.2289_2290delGC).
Protein change: p.Gln764fs; shifts the reading frame from glutamine 764.
Molecular consequence: frameshift variant.
Genome position (GRCh38, 1-based): chr1:47,272,169-47,272,170, GC deleted on the plus strand (GC on the coding strand, the reverse complement: STIL is on the minus strand). VCF-style (leftmost placement, unchanged base first): chr1-47272168-TGC-T. GRCh37 (hg19) VCF-style: chr1-47737840-TGC-T.
Other names: c.2289_2290del, p.Gln764fs (NM_001282936.1, NM_001282937.1, NM_003035.2); c.2148_2149del, p.Gln717fs (NM_001282938.1, NM_001282939.1, NM_001377417.1); c.2289_2290delGC (NM_003035.2); short protein forms Q717fs, Q764fs.
Identifiers: ClinVar variation 817814 (VCV000817814.1), dbSNP rs1570108068, ClinGen allele CA915941288.